The following is an entry in ClinVar:

NM_000117.3(EMD):c.662G>T (p.Arg221Leu)

Gene: EMD (emerin; plus strand). Cytogenetic location: Xq28.
Variant type: single nucleotide variant.
Coding change: c.662G>T on transcript NM_000117.3 (MANE Select); coding-DNA position 662, G replaced by T.
Protein change: p.Arg221Leu; replaces arginine 221 with leucine.
Molecular consequence: missense variant.
Genome position (GRCh38, 1-based): chrX:154,381,094, G>T. VCF-style: chrX-154381094-G-T. GRCh37 (hg19) VCF-style: chrX-153609454-G-T.
Other names: short protein forms R221L.
Identifiers: ClinVar variation 282181 (VCV000282181.17), dbSNP rs782057378, ClinGen allele CA10561657.

ClinVar aggregate classification (germline): Conflicting classifications of pathogenicity. Review status: criteria provided, conflicting classifications (1 of 4 stars). 5 submissions from 5 submitters: Uncertain significance (1); Likely benign (3). 1 of the submissions does not count toward it. Last evaluated 2025-12-01.

Conditions:
X-linked Emery-Dreifuss muscular dystrophy. Also called: Muscular dystrophy, tardive Emery-Dreifuss type, with contractures. Identifiers: Orphanet 261, Orphanet 98863, MedGen C0751337, MONDO:0010680.
Cardiovascular phenotype. Identifiers: MedGen CN230736.
Emery-Dreifuss muscular dystrophy (EDMD). Also called: Scapuloperoneal syndrome, X-linked (formerly); Humeroperoneal neuromuscular disease, (formerly). Identifiers: Orphanet 261, MedGen C0410189, MONDO:0016830.

Allele frequency attached by ClinVar (database versions not stated): gnomAD 0.00002; TOPMed 0.00007.
gnomAD v4.1: 34 of 1,210,472 alleles (0.0028%); highest among the groups gnomAD compares: Admixed American, 0.072%; no homozygotes.

Submissions (5):

Labcorp Genetics (formerly Invitae), Labcorp
Classification: Likely benign for X-linked Emery-Dreifuss muscular dystrophy. Last evaluated: 2025-12-01. Review status: criteria provided, single submitter. Criteria: Invitae Variant Classification Sherloc (09022015). Collection method: clinical testing. Allele origin: germline.

Ambry Genetics
Classification: Likely benign for Cardiovascular phenotype. Last evaluated: 2021-09-15. Review status: criteria provided, single submitter. Criteria: Ambry Variant Classification Scheme 2023. Collection method: clinical testing. Allele origin: germline.

GeneDx
Classification: Likely benign. Last evaluated: 2017-10-13. Review status: criteria provided, single submitter. Criteria: GeneDx Variant Classification (06012015). Collection method: clinical testing. Allele origin: germline. Affected: yes.
Comment: This variant is considered likely benign or benign based on one or more of the following criteria: it is a conservative change, it occurs at a poorly conserved position in the protein, it is predicted to be benign by multiple in silico algorithms, and/or has population frequency not consistent with disease.

Eurofins Ntd Llc (ga)
Classification: Uncertain significance. Last evaluated: 2015-07-28. Review status: criteria provided, single submitter. Criteria: EGL Classification Definitions 2015. Collection method: clinical testing. Allele origin: germline. Observed: 1 variant allele, 1 heterozygote.

Natera, Inc.
Classification: Likely benign for Emery-Dreifuss muscular dystrophy. Last evaluated: 2020-09-14. Review status: no assertion criteria provided. Collection method: clinical testing. Allele origin: germline. Not counted in ClinVar's aggregate classification.

Literature cited by the submitters: PubMed 31024910 (cited by Ambry Genetics).